The following is an entry in ClinVar:

NM_001854.4(COL11A1):c.3024+1G>C

Gene: COL11A1 (collagen type XI alpha 1 chain; minus strand). Cytogenetic location: 1p21.1.
Variant type: single nucleotide variant.
Coding change: c.3024+1G>C on transcript NM_001854.4 (MANE Select); the canonical splice donor site of the intron after coding-DNA position 3024, G replaced by C.
Molecular consequence: splice donor variant.
Genome position (GRCh38, 1-based): chr1:102,962,652, C>G on the plus strand (G>C on the coding strand, the complement: COL11A1 is on the minus strand). VCF-style: chr1-102962652-C-G. GRCh37 (hg19) VCF-style: chr1-103428208-C-G.
Other names: c.2907+1G>C (NM_001190709.2); c.3060+1G>C (NM_080629.3); c.2676+1G>C (NM_080630.4).
Identifiers: ClinVar variation 4876771 (VCV004876771.1).
Genomic context (GRCh38, chr1:102,962,652, plus strand): 5'-AGTATAGTTAAACATAAATTAAAGTTTTGGGCCAAAAAAAGTTTTCTGAAGCATGTTGTA[C>G]CTTTGCACCTTCTTTTCCTGCAGCACCAGGAAGACCTTGCTCACCAGGAGGGCCAGGAGG-3'

ClinVar aggregate classification (germline): Uncertain significance (1 of 4 stars; one submission).

Conditions:
Stickler syndrome type 2 (STL2). Also called: STICKLER SYNDROME, TYPE II; STICKLER SYNDROME, BEADED VITREOUS TYPE; STICKLER SYNDROME, VITREOUS TYPE 2; COL11A1-Related Stickler Syndrome. Identifiers: Orphanet 828, Orphanet 90654, MedGen C1858084, MONDO:0011493, OMIM 604841.

Submission:

Human Genetics Bochum, Ruhr University Bochum
Classification: Uncertain significance for Stickler syndrome type 2. Last evaluated: 2026-05-12. Review status: criteria provided, single submitter. Criteria: ACMG Guidelines, 2015. Collection method: clinical testing. Allele origin: germline. Affected: yes.
Comment: ACMG criteria used to clasify this variant: PVS1_STR, PM2_SUP